The following is an entry in ClinVar:

NM_018062.4(FANCL):c.369G>A (p.Trp123Ter)

Gene: FANCL (FA complementation group L; minus strand). Cytogenetic location: 2p16.1.
Variant type: single nucleotide variant.
Coding change: c.369G>A on transcript NM_018062.4 (MANE Select); coding-DNA position 369, G replaced by A.
Protein change: p.Trp123Ter; replaces tryptophan 123 with a stop codon.
Molecular consequence: nonsense.
Genome position (GRCh38, 1-based): chr2:58,221,947, C>T on the plus strand (G>A on the coding strand, the complement: FANCL is on the minus strand). VCF-style: chr2-58221947-C-T. GRCh37 (hg19) VCF-style: chr2-58449082-C-T.
Other names: c.369G>A, p.Trp123Ter (NM_001114636.2, NM_001374615.1, NM_001410792.1); short protein forms W123*.
Identifiers: ClinVar variation 2428153 (VCV002428153.6), dbSNP rs1386476396, ClinGen allele CA347034384.

ClinVar aggregate classification (germline): Pathogenic (1 of 4 stars; one submission).

Conditions:
Fanconi anemia (FA). Also called: Fanconi's anemia. Identifiers: Orphanet 84, MedGen C0015625, MeSH D005199, MONDO:0019391.

Allele frequency attached by ClinVar (database versions not stated): TOPMed below 0.00001; gnomAD 0.00001.

Submission:

Labcorp Genetics (formerly Invitae), Labcorp
Classification: Pathogenic for Fanconi anemia. Last evaluated: 2025-12-22. Review status: criteria provided, single submitter. Criteria: Invitae Variant Classification Sherloc (09022015). Collection method: clinical testing. Allele origin: germline.
Comment: This sequence change creates a premature translational stop signal (p.Trp123*) in the FANCL gene. It is expected to result in an absent or disrupted protein product. Loss-of-function variants in FANCL are known to be pathogenic (PMID: 19405097, 23613520). This variant is not present in population databases (gnomAD no frequency). This variant has not been reported in the literature in individuals affected with FANCL-related conditions. ClinVar contains an entry for this variant (Variation ID: 2428153). For these reasons, this variant has been classified as Pathogenic.

Literature cited by the submitters: PubMed 19405097; PubMed 23613520.